The following is an entry in ClinVar:

ClinVar aggregate classification (germline): Pathogenic (1 of 4 stars; one submission).

Conditions:
Ataxia-telangiectasia syndrome (AT). Also called: Ataxia-telangiectasia, complementation group D; AT, COMPLEMENTATION GROUP C; ATAXIA-TELANGIECTASIA, COMPLEMENTATION GROUP A; ATAXIA-TELANGIECTASIA, FRESNO VARIANT; Ataxia-telangiectasia; Ataxia-telangiectasia, complementation group E. Identifiers: Orphanet 100, MedGen C0004135, MONDO:0008840, OMIM 208900.

Submission:

Labcorp Genetics (formerly Invitae), Labcorp
Classification: Pathogenic for Ataxia-telangiectasia syndrome. Last evaluated: 2024-01-29. Review status: criteria provided, single submitter. Criteria: Invitae Variant Classification Sherloc (09022015). Collection method: clinical testing. Allele origin: germline.
Comment: This sequence change creates a premature translational stop signal (p.Tyr2833*) in the ATM gene. It is expected to result in an absent or disrupted protein product. Loss-of-function variants in ATM are known to be pathogenic (PMID: 23807571, 25614872). This variant is not present in population databases (gnomAD no frequency). This premature translational stop signal has been observed in individual(s) with ATM-related conditions (PMID: 30287823). For these reasons, this variant has been classified as Pathogenic.

Literature cited by the submitters: PubMed 23807571; PubMed 25614872; PubMed 30287823.

NM_000051.4(ATM):c.8499C>A (p.Tyr2833Ter)

Genes: ATM (ATM serine/threonine kinase; plus strand), C11orf65 (chromosome 11 open reading frame 65; minus strand). Cytogenetic location: 11q22.3.
Variant type: single nucleotide variant.
Coding change: c.8499C>A on transcript NM_000051.4 (MANE Select); coding-DNA position 8499, C replaced by A.
Protein change: p.Tyr2833Ter; replaces tyrosine 2833 with a stop codon.
Molecular consequence: nonsense. On other transcripts: intron variant (2).
Genome position (GRCh38, 1-based): chr11:108,345,823, C>A. VCF-style: chr11-108345823-C-A. GRCh37 (hg19) VCF-style: chr11-108216550-C-A.
Other names: c.695-10531G>T (NM_001351110.2); c.8499C>A, p.Tyr2833Ter (NM_001351834.2); c.641-36752G>T (NM_001330368.2); short protein forms Y2833*.
Identifiers: ClinVar variation 3637377 (VCV003637377.2).